The following is an entry in ClinVar:

ClinVar aggregate classification (germline): Pathogenic (1 of 4 stars; one submission).

Conditions:
Tuberous sclerosis 1 (TSC1). Identifiers: Orphanet 805, MedGen C1854465, MONDO:0008612, OMIM 191100.

Submission:

Labcorp Genetics (formerly Invitae), Labcorp
Classification: Pathogenic for Tuberous sclerosis 1. Last evaluated: 2021-08-02. Review status: criteria provided, single submitter. Criteria: Invitae Variant Classification Sherloc (09022015). Collection method: clinical testing. Allele origin: germline.
Comment: For these reasons, this variant has been classified as Pathogenic. This variant has not been reported in the literature in individuals with TSC1-related conditions. This variant is not present in population databases (ExAC no frequency). This sequence change creates a premature translational stop signal (p.Tyr176Ilefs*34) in the TSC1 gene. It is expected to result in an absent or disrupted protein product. Loss-of-function variants in TSC1 are known to be pathogenic (PMID: 10227394, 17304050).

Literature cited by the submitters: PubMed 10227394; PubMed 17304050.

NM_000368.5(TSC1):c.526del (p.Tyr176fs)

Gene: TSC1 (TSC complex subunit 1; minus strand). Cytogenetic location: 9q34.13.
Variant type: Deletion.
Coding change: c.526del on transcript NM_000368.5 (MANE Select); coding-DNA position 526, one base deleted (T; older notation c.526delT).
Protein change: p.Tyr176fs; shifts the reading frame from tyrosine 176.
Molecular consequence: frameshift variant.
Genome position (GRCh38, 1-based): chr9:132,921,956, A deleted on the plus strand (T on the coding strand, the reverse complement: TSC1 is on the minus strand). VCF-style (leftmost placement, unchanged base first): chr9-132921955-TA-T. GRCh37 (hg19) VCF-style: chr9-135797342-TA-T.
Other names: c.526del, p.Tyr176fs (NM_001162426.2); c.373del, p.Tyr125fs (NM_001162427.2); c.163del, p.Tyr55fs (NM_001362177.2); short protein forms Y176fs, Y55fs, Y125fs.
Identifiers: ClinVar variation 1460252 (VCV001460252.6), dbSNP rs2132161209, ClinGen allele CA2573144302.
Genomic context (GRCh38, chr9:132,921,955, plus strand): 5'-GGGTACATTCCATAAAGGCGATGAAAGAGTGCGTACACACTGGCATGGAGATGGACGAGA[TA>T]GACTTCCGCCACGTGGCCTAGAAAAGGAACCCGTTGAGAAGAGCCTCTTAGTTGGAGACA-3'